The following is an entry in ClinVar:

NM_015910.7(WDPCP):c.886C>A (p.Pro296Thr)

Gene: WDPCP (WD repeat containing planar cell polarity effector; minus strand). Cytogenetic location: 2p15.
Variant type: single nucleotide variant.
Coding change: c.886C>A on transcript NM_015910.7 (MANE Select); coding-DNA position 886, C replaced by A.
Protein change: p.Pro296Thr; replaces proline 296 with threonine.
Molecular consequence: missense variant. On other transcripts: non-coding transcript variant (3).
Genome position (GRCh38, 1-based): chr2:63,404,597, G>T on the plus strand (C>A on the coding strand, the complement: WDPCP is on the minus strand). VCF-style: chr2-63404597-G-T. GRCh37 (hg19) VCF-style: chr2-63631732-G-T.
Other names: c.409C>A, p.Pro137Thr (NM_001042692.3); c.814C>A, p.Pro272Thr (NM_001354044.2); c.886C>A, p.Pro296Thr (NM_001354045.2); short protein forms P296T, P137T, P272T.
Identifiers: ClinVar variation 4991991 (VCV004991991.1).

ClinVar aggregate classification (germline): Uncertain significance (1 of 4 stars; one submission).

Conditions:
WDPCP-related disorder. Also called: WDPCP-related condition.

Submission:

PreventionGenetics, part of Exact Sciences
Classification: Uncertain significance for WDPCP-related condition. Last evaluated: 2026-03-24. Review status: criteria provided, single submitter. Criteria: ACMG Guidelines, 2015. Collection method: clinical testing. Allele origin: germline.
Comment: The WDPCP c.886C>A variant is predicted to result in the amino acid substitution p.Pro296Thr. To our knowledge, this variant has not been reported in the literature or in a large population database (gnomAD), indicating this variant is rare. At this time, the clinical significance of this variant is uncertain due to the absence of conclusive functional and genetic evidence.